The following is an entry in ClinVar:

ClinVar aggregate classification (germline): Uncertain significance. Review status: criteria provided, multiple submitters, no conflicts (2 of 4 stars). 3 submissions from 3 submitters: Uncertain significance (3). Last evaluated 2025-04-24.

Conditions:
Junctional epidermolysis bullosa with pyloric atresia. Also called: APLASIA CUTIS CONGENITA WITH GASTROINTESTINAL ATRESIA; CARMI SYNDROME; EB-PA-ACC; ITGB4-Related Epidermolysis Bullosa with Pyloric Atresia; ITGA6-Related Epidermolysis Bullosa with Pyloric Atresia; EPIDERMOLYSIS BULLOSA, JUNCTIONAL 5B, WITH PYLORIC ATRESIA. Identifiers: Orphanet 79403, MedGen C5676875, MONDO:0009183, OMIM 226730.
Epidermolysis bullosa, junctional 5A, intermediate. Also called: EPIDERMOLYSIS BULLOSA, JUNCTIONAL 5A, GENERALIZED INTERMEDIATE; EPIDERMOLYSIS BULLOSA, JUNCTIONAL 5A, NON-HERLITZ TYPE. Identifiers: MedGen C5676956, MONDO:0030768, OMIM 619816.
Inborn genetic diseases. Identifiers: MedGen C0950123, MeSH D030342.

Allele frequency attached by ClinVar (database versions not stated): gnomAD exomes 0.00005; ExAC 0.00007; gnomAD 0.00007; TOPMed 0.00008.
gnomAD v4.1: 80 of 1,613,908 alleles (0.005%); highest among the groups gnomAD compares: East Asian, 0.082%; no homozygotes.

Submissions (3):

Ambry Genetics
Classification: Uncertain significance for Inborn genetic diseases. Last evaluated: 2025-04-24. Review status: criteria provided, single submitter. Criteria: Ambry Variant Classification Scheme 2023. Collection method: clinical testing. Allele origin: germline.

Labcorp Genetics (formerly Invitae), Labcorp
Classification: Uncertain significance. Last evaluated: 2025-03-18. Review status: criteria provided, single submitter. Criteria: Invitae Variant Classification Sherloc (09022015). Collection method: clinical testing. Allele origin: germline.
Comment: This sequence change replaces alanine, which is neutral and non-polar, with valine, which is neutral and non-polar, at codon 620 of the ITGB4 protein (p.Ala620Val). This variant is present in population databases (rs756649625, gnomAD 0.07%). This variant has not been reported in the literature in individuals affected with ITGB4-related conditions. ClinVar contains an entry for this variant (Variation ID: 1907332). An algorithm developed to predict the effect of missense changes on protein structure and function (PolyPhen-2) suggests that this variant is likely to be tolerated. In summary, the available evidence is currently insufficient to determine the role of this variant in disease. Therefore, it has been classified as a Variant of Uncertain Significance.

Fulgent Genetics
Classification: Uncertain significance for Junctional epidermolysis bullosa with pyloric atresia; Epidermolysis bullosa, junctional 5A, intermediate. Last evaluated: 2024-01-09. Review status: criteria provided, single submitter. Criteria: ACMG Guidelines, 2015. Collection method: clinical testing. Allele origin: germline.

NM_000213.5(ITGB4):c.1859C>T (p.Ala620Val)

Gene: ITGB4 (integrin subunit beta 4; plus strand). Cytogenetic location: 17q25.1.
Variant type: single nucleotide variant.
Coding change: c.1859C>T on transcript NM_000213.5 (MANE Select); coding-DNA position 1859, C replaced by T.
Protein change: p.Ala620Val; replaces alanine 620 with valine.
Molecular consequence: missense variant.
Genome position (GRCh38, 1-based): chr17:75,736,385, C>T. VCF-style: chr17-75736385-C-T. GRCh37 (hg19) VCF-style: chr17-73732466-C-T.
Other names: c.1859C>T (NM_001005731.1); c.1859C>T, p.Ala620Val (NM_001005619.2, NM_001005731.3, NM_001321123.2); short protein forms A620V.
Identifiers: ClinVar variation 1907332 (VCV001907332.6), dbSNP rs756649625, ClinGen allele CA8769147.
Genomic context (GRCh38, chr17:75,736,385, plus strand): 5'-GCTGCCACTGCCACCAGCAGTCGCTCTACACGGACACCATCTGCGAGATCAACTACTCGG[C>T]GGTGAGGCTAAGACCTACGAGGTGTGGGCGTGGGAACAGGGCAGGCACAGGGCAGTGTGG-3'
Protein context (NP_000204.3, residues 610-630): TDTICEINYS[Ala620Val]IHPGLCEDLR